The following is an entry in ClinVar:

NM_138694.4(PKHD1):c.873C>T (p.Thr291=)

Gene: PKHD1 (PKHD1 ciliary IPT domain containing fibrocystin/polyductin; minus strand). Cytogenetic location: 6p12.2.
Variant type: single nucleotide variant.
Coding change: c.873C>T on transcript NM_138694.4 (MANE Select); coding-DNA position 873, C replaced by T.
Protein change: p.Thr291=; no amino-acid change (threonine 291 retained).
Molecular consequence: synonymous variant.
Genome position (GRCh38, 1-based): chr6:52,065,983, G>A on the plus strand (C>T on the coding strand, the complement: PKHD1 is on the minus strand). VCF-style: chr6-52065983-G-A. GRCh37 (hg19) VCF-style: chr6-51930781-G-A.
Other names: c.873C>T, p.Thr291= (NM_170724.3); c.873C>T (NM_138694.3).
Identifiers: ClinVar variation 597662 (VCV000597662.21), dbSNP rs769773725, ClinGen allele CA3853736.

ClinVar aggregate classification (germline): Conflicting classifications of pathogenicity. Review status: criteria provided, conflicting classifications (1 of 4 stars). 5 submissions from 5 submitters: Uncertain significance (1); Likely benign (2). 2 of the submissions do not count toward it. Last evaluated 2026-01-26.

Conditions:
Autosomal recessive polycystic kidney disease (ARPKD). Also called: AR polycystic kidney disease. Identifiers: Orphanet 731, Orphanet 8378, MedGen C0085548, MeSH D017044, MONDO:0009889.
PKHD1-related disorder. Also called: PKHD1-related condition.

Allele frequency attached by ClinVar (database versions not stated): gnomAD exomes 0.00001 and 0.00002; ExAC 0.00003; TOPMed 0.00003.
gnomAD v4.1: 8 of 1,510,274 alleles (0.00053%); highest among the groups gnomAD compares: Admixed American, 0.013%; no homozygotes.

Submissions (5):

Labcorp Genetics (formerly Invitae), Labcorp
Classification: Likely benign for Autosomal recessive polycystic kidney disease. Last evaluated: 2026-01-26. Review status: criteria provided, single submitter. Criteria: Invitae Variant Classification Sherloc (09022015). Collection method: clinical testing. Allele origin: germline.

Blueprint Genetics
Classification: Likely benign. Last evaluated: 2020-06-11. Review status: criteria provided, single submitter. Criteria: ACMG Guidelines, 2015. Collection method: clinical testing. Allele origin: germline.

Eurofins Ntd Llc (ga)
Classification: Uncertain significance. Last evaluated: 2018-06-22. Review status: criteria provided, single submitter. Criteria: EGL ClinVar v180209 classification definitions. Collection method: clinical testing. Allele origin: germline. Observed: 1 variant allele, 1 heterozygote.

PreventionGenetics, part of Exact Sciences
Classification: Likely benign for PKHD1-related condition. Last evaluated: 2021-07-20. Review status: no assertion criteria provided. Collection method: clinical testing. Allele origin: germline. Not counted in ClinVar's aggregate classification.
Comment: This variant is classified as likely benign based on ACMG/AMP sequence variant interpretation guidelines (Richards et al. 2015 PMID: 25741868, with internal and published modifications).

Natera, Inc.
Classification: Likely benign for Autosomal recessive polycystic kidney disease. Last evaluated: 2018-11-04. Review status: no assertion criteria provided. Collection method: clinical testing. Allele origin: germline. Not counted in ClinVar's aggregate classification.